The following is an entry in ClinVar:

NM_004287.5(GOSR2):c.319C>G (p.Arg107Gly)

Genes: GOSR2 (golgi SNAP receptor complex member 2; plus strand), LRRC37A2 (leucine rich repeat containing 37 member A2). Cytogenetic location: 17q21.32.
Variant type: single nucleotide variant.
Coding change: c.319C>G on transcript NM_004287.5 (MANE Select); coding-DNA position 319, C replaced by G.
Protein change: p.Arg107Gly; replaces arginine 107 with glycine.
Molecular consequence: missense variant. On other transcripts: non-coding transcript variant (3).
Genome position (GRCh38, 1-based): chr17:46,932,182, C>G. VCF-style: chr17-46932182-C-G. GRCh37 (hg19) VCF-style: chr17-45009548-C-G.
Other names: c.319C>G, p.Arg107Gly (NM_001012511.3, NM_001321133.2, NM_001330252.2 and 1 more transcripts); c.265C>G, p.Arg89Gly (NM_001321134.2, NM_001363851.2); c.316C>G, p.Arg106Gly (NM_001353114.2, NM_001353115.2, NM_001353116.2); short protein forms R107G, R106G, R89G.
Identifiers: ClinVar variation 1728759 (VCV001728759.2), dbSNP rs201616211, ClinGen allele CA8621226.

ClinVar aggregate classification (germline): Uncertain significance (1 of 4 stars; one submission).

Conditions:
Inborn genetic diseases. Identifiers: MedGen C0950123, MeSH D030342.

gnomAD v4.1: 6 of 1,614,118 alleles (0.00037%); highest among the groups gnomAD compares: Non-Finnish European, 0.00042%; no homozygotes.

Submission:

Ambry Genetics
Classification: Uncertain significance for Inborn genetic diseases. Last evaluated: 2018-07-10. Review status: criteria provided, single submitter. Criteria: Ambry Variant Classification Scheme 2023. Collection method: clinical testing. Allele origin: germline.
Comment: The p.R107G variant (also known as c.319C>G), located in coding exon 4 of the GOSR2 gene, results from a C to G substitution at nucleotide position 319. The arginine at codon 107 is replaced by glycine, an amino acid with dissimilar properties. This amino acid position is well conserved in available vertebrate species. In addition, the in silico prediction for this alteration is inconclusive. Since supporting evidence is limited at this time, the clinical significance of this alteration remains unclear.